The following is an entry in ClinVar:

NM_001145809.2(MYH14):c.1384T>G (p.Trp462Gly)

Gene: MYH14 (myosin heavy chain 14; plus strand). Cytogenetic location: 19q13.33.
Variant type: single nucleotide variant.
Coding change: c.1384T>G on transcript NM_001145809.2 (MANE Select); coding-DNA position 1384, T replaced by G.
Protein change: p.Trp462Gly; replaces tryptophan 462 with glycine.
Molecular consequence: missense variant.
Genome position (GRCh38, 1-based): chr19:50,249,041, T>G. VCF-style: chr19-50249041-T-G. GRCh37 (hg19) VCF-style: chr19-50752298-T-G.
Other names: c.1384T>G, p.Trp462Gly (NM_001077186.2); c.1360T>G, p.Trp454Gly (NM_024729.4); c.1384T>G (NM_001145809.1); short protein forms W454G, W462G.
Identifiers: ClinVar variation 3767692 (VCV003767692.3).
Genomic context (GRCh38, chr19:50,249,041, plus strand): 5'-CCACAGGCTGACTTCGCGCTGGAGGCCCTGGCCAAGGCCACCTACGAGCGCCTCTTCCGC[T>G]GGCTGGTTCTGCGCCTCAACCGGGCCTTGGACCGCAGCCCCCGCCAAGGCGCCTCCTTCC-3'
Protein context (NP_001139281.1, residues 452-472): AKATYERLFR[Trp462Gly]LVLRLNRALD

ClinVar aggregate classification (germline): Conflicting classifications of pathogenicity. Review status: criteria provided, conflicting classifications (1 of 4 stars). 3 submissions from 3 submitters: Uncertain significance (2); Likely benign (1). Last evaluated 2025-11-25.

Conditions:
MYH14-related disorder. Also called: MYH14-related condition.
Peripheral neuropathy-myopathy-hoarseness-hearing loss syndrome. Identifiers: Orphanet 397744, MedGen C3280556, MONDO:0013711, OMIM 614369.

gnomAD v4.1: 91 of 1,613,272 alleles (0.0056%); highest among the groups gnomAD compares: South Asian, 0.089%; 2 homozygotes.

Submissions (3):

PreventionGenetics, part of Exact Sciences
Classification: Likely benign for MYH14-related condition. Last evaluated: 2025-11-25. Review status: criteria provided, single submitter. Criteria: ACMG Guidelines, 2015. Collection method: clinical testing. Allele origin: germline.
Comment: This variant is classified as likely benign based on ACMG/AMP sequence variant interpretation guidelines (Richards et al. 2015 PMID: 25741868, with internal and published modifications).

GeneDx
Classification: Uncertain significance. Last evaluated: 2024-09-05. Review status: criteria provided, single submitter. Criteria: GeneDx Variant Classification Process June 2021. Collection method: clinical testing. Allele origin: germline. Affected: yes.
Comment: In silico analysis supports that this missense variant has a deleterious effect on protein structure/function; Has not been previously published as pathogenic or benign to our knowledge

Genetics and Genomic Medicine Centre, NeuroGen Healthcare, NeuroGen Healthcare
Classification: Uncertain significance for Peripheral neuropathy-myopathy-hoarseness-hearing loss syndrome. Last evaluated: 2024-05-24. Review status: criteria provided, single submitter. Criteria: ACMG Guidelines, 2015. Collection method: clinical testing. Allele origin: unknown. Affected: yes.